The following is an entry in ClinVar:

ClinVar aggregate classification (germline): Benign/Likely benign. Review status: criteria provided, multiple submitters, no conflicts (2 of 4 stars). 21 submissions from 21 submitters: Benign (7); Likely benign (9). 5 of the submissions do not count toward it. Last evaluated 2026-08-01.

Conditions:
VPS13B-related disorder. Also called: VPS13B-related condition.
Inborn genetic diseases. Identifiers: MedGen C0950123, MeSH D030342.
Cohen syndrome (COH1). Also called: PEPPER SYNDROME; Cutis verticis gyrata, retinitis pigmentosa, and sensorineural deafness. Identifiers: Orphanet 193, MedGen C0265223, MONDO:0008999, OMIM 216550.

Allele frequency attached by ClinVar (database versions not stated): 1000 Genomes Project 0.00140; ESP Exome Variant Server 0.00392; gnomAD 0.00451 and 0.00445; gnomAD exomes 0.00464 and 0.00490; ExAC 0.00519; 1000 Genomes Project 30x 0.00141; TOPMed 0.00459.
gnomAD v4.1: 7,868 of 1,614,004 alleles (0.49%); highest among the groups gnomAD compares: Non-Finnish European, 0.56%; 26 homozygotes.

Submissions (33):

CeGaT Center for Human Genetics Tuebingen
Classification: Likely benign. Last evaluated: 2026-08-01. Review status: criteria provided, single submitter. Criteria: CeGaT Center For Human Genetics Tuebingen Variant Classification Criteria Version 2. Collection method: clinical testing. Allele origin: germline. Affected: yes. Observed: 36 variant alleles.
Comment: VPS13B: BP4, BS2

Labcorp Genetics (formerly Invitae), Labcorp
Classification: Benign for Cohen syndrome. Last evaluated: 2026-02-01. Review status: criteria provided, single submitter. Criteria: Invitae Variant Classification Sherloc (09022015). Collection method: clinical testing. Allele origin: germline.

Blueprint Genetics
Classification: Likely benign. Last evaluated: 2024-11-25. Review status: criteria provided, single submitter. Criteria: ACMG Guidelines, 2015. Collection method: clinical testing. Allele origin: germline.

Mayo Clinic Laboratories, Mayo Clinic
Classification: Benign. Last evaluated: 2022-09-14. Review status: criteria provided, single submitter. Criteria: ACMG Guidelines, 2015. Collection method: clinical testing. Allele origin: germline. Observed: 14 variant alleles.
Comment: BS1, BS2, BP4

Center for Genomics, Ann and Robert H. Lurie Children's Hospital of Chicago
Classification: Likely benign for Cohen syndrome. Last evaluated: 2022-07-15. Review status: criteria provided, single submitter. Criteria: ACMG Guidelines, 2015. Collection method: clinical testing. Allele origin: germline.
Comment: This variant has been reported in the literature in at least 3 individuals with retinal disease including 1 individual with Cohen syndrome (Seifert 2009 PMID:19006247, Tiwari 2016 PMID:27353947, Stone 2017 PMID:28559085). Of note, at least 1 publication notes that this variant is not likely to be disease causing. This variant is present in the Genome Aggregation Database (Highest reported MAF 0.6% (417/68028) including 1 homozygote. This variant is present in ClinVar, with several labs classifying this variant as Benign or Likely Benign (Variation ID:95845). Evolutionary conservation for this variant is unclear; suggest that this variant may not impact the protein. In summary, data on this variant suggests that this variant does not cause disease but requires further evidence. Therefore, this variant is classified as likely benign.

Women's Health and Genetics/Laboratory Corporation of America, LabCorp
Classification: Benign. Last evaluated: 2022-05-10. Review status: criteria provided, single submitter. Criteria: LabCorp Variant Classification Summary - May 2015. Collection method: clinical testing. Allele origin: germline.
Comment: Variant summary: VPS13B c.3386A>G (p.Lys1129Arg) results in a conservative amino acid change in the encoded protein sequence. Three of five in-silico tools predict a benign effect of the variant on protein function. The variant allele was found at a frequency of 0.0046 in 251224 control chromosomes in the gnomAD database, including 5 homozygotes. The observed variant frequency is approximately 1.9 fold of the estimated maximal expected allele frequency for a pathogenic variant in VPS13B causing Cohen Syndrome phenotype (0.0025), strongly suggesting that the variant is benign. To our knowledge, no penetrant association of c.3386A>G in individuals affected with Cohen Syndrome and no experimental evidence demonstrating its impact on protein function have been reported. Ten clinical diagnostic laboratories have submitted clinical-significance assessments for this variant to ClinVar after 2014 without evidence for independent evaluation. All laboratories classified the variant as benign/likely benign. Based on the evidence outlined above, the variant was classified as benign.

Fulgent Genetics
Classification: Benign for Cohen syndrome. Last evaluated: 2022-04-19. Review status: criteria provided, single submitter. Criteria: ACMG Guidelines, 2015. Collection method: clinical testing. Allele origin: unknown.

Genome-Nilou Lab
Classification: Likely benign for Cohen syndrome. Last evaluated: 2021-05-18. Review status: criteria provided, single submitter. Criteria: ACMG Guidelines, 2015. Collection method: clinical testing. Allele origin: germline. Affected: no.

GeneDx
Classification: Benign. Last evaluated: 2019-07-17. Review status: criteria provided, single submitter. Criteria: GeneDx Variant Classification Process June 2021. Collection method: clinical testing. Allele origin: germline. Affected: yes.
Comment: This variant is associated with the following publications: (PMID: 19006247, 27353947, 28559085)

Ambry Genetics
Classification: Benign for Inborn genetic diseases. Last evaluated: 2018-11-28. Review status: criteria provided, single submitter. Criteria: Ambry Variant Classification Scheme 2023. Collection method: clinical testing. Allele origin: germline.

Athena Diagnostics
Classification: Likely benign. Last evaluated: 2018-01-19. Review status: criteria provided, single submitter. Criteria: Athena Diagnostics Criteria. Collection method: clinical testing. Allele origin: germline.

Illumina Laboratory Services, Illumina
Classification: Likely benign for Cohen syndrome. Last evaluated: 2018-01-13. Review status: criteria provided, single submitter. Criteria: ICSL Variant Classification Criteria 13 December 2019. Collection method: clinical testing. Allele origin: germline.
Comment: This variant was observed in the ICSL laboratory as part of a predisposition screen in an ostensibly healthy population. It had not been previously curated by ICSL or reported in the Human Gene Mutation Database (HGMD: prior to June 1st, 2018), and was therefore a candidate for classification through an automated scoring system. Utilizing variant allele frequency, disease prevalence and penetrance estimates, and inheritance mode, an automated score was calculated to assess if this variant is too frequent to cause the disease. Based on the score and internal cut-off values, a variant classified as likely benign is not then subjected to further curation. The score for this variant resulted in a classification of likely benign for this disease.

Genetic Services Laboratory, University of Chicago
Classification: Likely benign. Last evaluated: 2016-11-22. Review status: criteria provided, single submitter. Criteria: ACMG Guidelines, 2015. Collection method: clinical testing. Allele origin: germline. Affected: no.

Genomic Diagnostic Laboratory, Division of Genomic Diagnostics, Children's Hospital of Philadelphia
Classification: Likely benign. Last evaluated: 2015-11-10. Review status: criteria provided, single submitter. Criteria: DGD Variant Analysis Guidelines. Collection method: clinical testing. Allele origin: unknown.

Eurofins Ntd Llc (ga)
Classification: Benign. Last evaluated: 2013-04-30. Review status: criteria provided, single submitter. Criteria: EGL Classification Definitions 2015. Collection method: clinical testing. Allele origin: germline. Observed: 1 variant allele, 1 heterozygote.

Breakthrough Genomics
Classification: Likely benign. Review status: criteria provided, single submitter. Criteria: ACMG Guidelines, 2015. Collection method: not provided. Allele origin: germline. Inheritance: Autosomal recessive inheritance. Affected: yes.

PreventionGenetics, part of Exact Sciences
Classification: Likely benign for VPS13B-related condition. Last evaluated: 2023-04-19. Review status: no assertion criteria provided. Collection method: clinical testing. Allele origin: germline. Not counted in ClinVar's aggregate classification.
Comment: This variant is classified as likely benign based on ACMG/AMP sequence variant interpretation guidelines (Richards et al. 2015 PMID: 25741868, with internal and published modifications).

Natera, Inc.
Classification: Benign for Cohen syndrome. Last evaluated: 2020-01-06. Review status: no assertion criteria provided. Collection method: clinical testing. Allele origin: germline. Not counted in ClinVar's aggregate classification.

Clinical Genetics DNA and cytogenetics Diagnostics Lab, Erasmus MC, Erasmus Medical Center
Classification: Likely benign. Review status: no assertion criteria provided. Collection method: clinical testing. Allele origin: germline. Affected: yes. Study: VKGL Data-share Consensus. Not counted in ClinVar's aggregate classification.

Clinical Genetics, Academic Medical Center
Classification: Likely benign. Review status: no assertion criteria provided. Collection method: clinical testing. Allele origin: germline. Affected: yes. Study: VKGL Data-share Consensus. Not counted in ClinVar's aggregate classification.

Dr. Peter K. Rogan Lab, Western University
No classification provided (evidence only). Condition: Clear cell carcinoma of kidney. Review status: no classification provided. Collection method: in vitro. Allele origin: not applicable. Functional consequence: retained intron. Not counted in ClinVar's aggregate classification.

Dr. Peter K. Rogan Lab, Western University
No classification provided (evidence only). Condition: Familial cancer of breast. Review status: no classification provided. Collection method: in vitro. Allele origin: not applicable. Functional consequence: retained intron. Not counted in ClinVar's aggregate classification.

Dr. Peter K. Rogan Lab, Western University
No classification provided (evidence only). Condition: Familial cancer of breast. Review status: no classification provided. Collection method: in vitro. Allele origin: not applicable. Functional consequence: retained intron. Not counted in ClinVar's aggregate classification.

Dr. Peter K. Rogan Lab, Western University
No classification provided (evidence only). Condition: Acute myeloid leukemia. Review status: no classification provided. Collection method: in vitro. Allele origin: not applicable. Functional consequence: retained intron. Not counted in ClinVar's aggregate classification.

Dr. Peter K. Rogan Lab, Western University
No classification provided (evidence only). Condition: Acute myeloid leukemia. Review status: no classification provided. Collection method: in vitro. Allele origin: not applicable. Functional consequence: retained intron. Not counted in ClinVar's aggregate classification.

Dr. Peter K. Rogan Lab, Western University
No classification provided (evidence only). Condition: Colon adenocarcinoma. Review status: no classification provided. Collection method: in vitro. Allele origin: not applicable. Functional consequence: retained intron. Not counted in ClinVar's aggregate classification.

Dr. Peter K. Rogan Lab, Western University
No classification provided (evidence only). Condition: Uterine corpus endometrial carcinoma. Review status: no classification provided. Collection method: in vitro. Allele origin: not applicable. Functional consequence: retained intron. Not counted in ClinVar's aggregate classification.

Dr. Peter K. Rogan Lab, Western University
No classification provided (evidence only). Condition: Ovarian serous cystadenocarcinoma. Review status: no classification provided. Collection method: in vitro. Allele origin: not applicable. Functional consequence: retained intron. Not counted in ClinVar's aggregate classification.

Dr. Peter K. Rogan Lab, Western University
No classification provided (evidence only). Condition: Gastric cancer. Review status: no classification provided. Collection method: in vitro. Allele origin: not applicable. Functional consequence: retained intron. Not counted in ClinVar's aggregate classification.

Dr. Peter K. Rogan Lab, Western University
No classification provided (evidence only). Condition: Malignant tumor of esophagus. Review status: no classification provided. Collection method: in vitro. Allele origin: not applicable. Functional consequence: retained intron. Not counted in ClinVar's aggregate classification.

Dr. Peter K. Rogan Lab, Western University
No classification provided (evidence only). Condition: Chronic lymphocytic leukemia/small lymphocytic lymphoma. Review status: no classification provided. Collection method: in vitro. Allele origin: not applicable. Functional consequence: retained intron. Not counted in ClinVar's aggregate classification.

Dr. Peter K. Rogan Lab, Western University
No classification provided (evidence only). Condition: Nonpapillary renal cell carcinoma. Review status: no classification provided. Collection method: in vitro. Allele origin: not applicable. Functional consequence: retained intron. Not counted in ClinVar's aggregate classification.

Joint Genome Diagnostic Labs from Nijmegen and Maastricht, Radboudumc and MUMC+
Classification: Benign. Review status: no assertion criteria provided. Collection method: clinical testing. Allele origin: germline. Affected: yes. Study: VKGL Data-share Consensus. Not counted in ClinVar's aggregate classification.

Literature cited by the submitters: PubMed 19006247 (cited by Ambry Genetics and Athena Diagnostics); PubMed 27353947 (cited by Athena Diagnostics); PubMed 26133662 (cited by Athena Diagnostics).

NM_152564.5(VPS13B):c.3386A>G (p.Lys1129Arg)

Gene: VPS13B (vacuolar protein sorting 13 homolog B; plus strand). Cytogenetic location: 8q22.2.
Variant type: single nucleotide variant.
Coding change: c.3386A>G on transcript NM_152564.5 (MANE Select); coding-DNA position 3386, A replaced by G.
Protein change: p.Lys1129Arg; replaces lysine 1129 with arginine.
Molecular consequence: missense variant.
Genome position (GRCh38, 1-based): chr8:99,442,576, A>G. VCF-style: chr8-99442576-A-G. GRCh37 (hg19) VCF-style: chr8-100454804-A-G.
Other names: c.3386A>G (NM_152564.4); c.3386A>G, p.Lys1129Arg (NM_017890.5); short protein forms K1129R.
Identifiers: ClinVar variation 95845 (VCV000095845.78), dbSNP rs61759485, ClinGen allele CA148939.